The following is an entry in ClinVar:

NM_014989.7(RIMS1):c.2731G>A (p.Asp911Asn)

Gene: RIMS1 (regulating synaptic membrane exocytosis 1; plus strand). Cytogenetic location: 6q13.
Variant type: single nucleotide variant.
Coding change: c.2731G>A on transcript NM_014989.7 (MANE Select); coding-DNA position 2731, G replaced by A.
Protein change: p.Asp911Asn; replaces aspartic acid 911 with asparagine.
Molecular consequence: missense variant.
Genome position (GRCh38, 1-based): chr6:72,252,793, G>A. VCF-style: chr6-72252793-G-A. GRCh37 (hg19) VCF-style: chr6-72962496-G-A.
Other names: c.1153G>A, p.Asp385Asn (NM_001350439.2, NM_001350440.2, NM_001350441.2 and 37 more transcripts); c.1084G>A, p.Asp362Asn (NM_001350459.2, NM_001350462.2, NM_001350437.2 and 6 more transcripts); c.910G>A, p.Asp304Asn (NM_001350461.2, NM_001350463.2, NM_001350464.2 and 6 more transcripts); c.1108G>A, p.Asp370Asn (NM_001168410.2, NM_001350470.2, NM_001350472.2 and 2 more transcripts); short protein forms D304N, D911N, D362N, D385N, D370N.
Identifiers: ClinVar variation 2839541 (VCV002839541.3), dbSNP rs2552107559, ClinGen allele CA364680575.

ClinVar aggregate classification (germline): Uncertain significance (1 of 4 stars; one submission).

Submission:

Labcorp Genetics (formerly Invitae), Labcorp
Classification: Uncertain significance. Last evaluated: 2023-02-21. Review status: criteria provided, single submitter. Criteria: Invitae Variant Classification Sherloc (09022015). Collection method: clinical testing. Allele origin: germline.
Comment: This sequence change replaces aspartic acid, which is acidic and polar, with asparagine, which is neutral and polar, at codon 911 of the RIMS1 protein (p.Asp911Asn). This variant is not present in population databases (gnomAD no frequency). This variant has not been reported in the literature in individuals affected with RIMS1-related conditions. An algorithm developed to predict the effect of missense changes on protein structure and function (PolyPhen-2) suggests that this variant is likely to be disruptive. In summary, the available evidence is currently insufficient to determine the role of this variant in disease. Therefore, it has been classified as a Variant of Uncertain Significance.